The following is an entry in ClinVar:

ClinVar aggregate classification (germline): Uncertain significance (1 of 4 stars; one submission).

Conditions:
Hereditary cancer-predisposing syndrome. Also called: Tumor predisposition; Neoplastic Syndromes, Hereditary; Hereditary neoplastic syndrome; Hereditary Cancer Syndrome. Identifiers: Orphanet 140162, MedGen C0027672, MeSH D009386, MONDO:0015356.

Allele frequency attached by ClinVar (database versions not stated): gnomAD exomes below 0.00001.
gnomAD v4.1: 1 of 1,594,476 alleles (0.000063%); highest among the groups gnomAD compares: Non-Finnish European, 0.000085%; no homozygotes.

Submission:

Ambry Genetics
Classification: Uncertain significance for Hereditary cancer-predisposing syndrome. Last evaluated: 2019-10-11. Review status: criteria provided, single submitter. Criteria: Ambry Variant Classification Scheme 2023. Collection method: clinical testing. Allele origin: germline.
Comment: The p.P70R variant (also known as c.209C>G), located in coding exon 2 of the CDKN2A gene, results from a C to G substitution at nucleotide position 209. The proline at codon 70 is replaced by arginine, an amino acid with dissimilar properties. This variant has been reported in a familial melanoma kindred (Soufir N et al, Br. J. Cancer 2004 Jan; 90(2):503-9). This amino acid position is well conserved in available vertebrate species. In addition, this alteration is predicted to be deleterious by in silico analysis. Since supporting evidence is limited at this time, the clinical significance of this alteration remains unclear.

Literature cited by the submitters: PubMed 14735200.

NM_000077.5(CDKN2A):c.209C>G (p.Pro70Arg)

Gene: CDKN2A (cyclin dependent kinase inhibitor 2A; minus strand). Cytogenetic location: 9p21.3.
Variant type: single nucleotide variant.
Coding change: c.209C>G on transcript NM_000077.5; coding-DNA position 209, C replaced by G.
Protein change: p.Pro70Arg; replaces proline 70 with arginine.
Molecular consequence: missense variant (on NM_000077.6). On other transcripts: synonymous variant (1), 3 prime UTR variant (1).
Genome position (GRCh38, 1-based): chr9:21,971,150, G>C on the plus strand (C>G on the coding strand, the complement: CDKN2A is on the minus strand). VCF-style: chr9-21971150-G-C. GRCh37 (hg19) VCF-style: chr9-21971149-G-C.
Other names: c.209C>G, p.Pro70Arg (NM_000077.6, NM_001195132.2); c.56C>G, p.Pro19Arg (NM_001363763.2); c.252C>G, p.Ala84= (NM_058195.4); c.*132C>G (NM_058197.5); short protein forms P70R, P19R.
Identifiers: ClinVar variation 185936 (VCV000185936.5), dbSNP rs786202575, ClinGen allele CA193421.